The following is an entry in ClinVar:

ClinVar aggregate classification (germline): Uncertain significance (1 of 4 stars; one submission).

Submission:

Labcorp Genetics (formerly Invitae), Labcorp
Classification: Uncertain significance. Last evaluated: 2022-06-14. Review status: criteria provided, single submitter. Criteria: Invitae Variant Classification Sherloc (09022015). Collection method: clinical testing. Allele origin: germline.
Comment: This variant is not present in population databases (gnomAD no frequency). This sequence change replaces glutamic acid, which is acidic and polar, with glycine, which is neutral and non-polar, at codon 1838 of the CEP250 protein (p.Glu1838Gly). This variant has not been reported in the literature in individuals affected with CEP250-related conditions. In summary, the available evidence is currently insufficient to determine the role of this variant in disease. Therefore, it has been classified as a Variant of Uncertain Significance. Algorithms developed to predict the effect of missense changes on protein structure and function are either unavailable or do not agree on the potential impact of this missense change (SIFT: "Not Available"; PolyPhen-2: "Possibly Damaging"; Align-GVGD: "Not Available").

NM_007186.6(CEP250):c.5513A>G (p.Glu1838Gly)

Gene: CEP250 (centrosomal protein 250; plus strand). Cytogenetic location: 20q11.22.
Variant type: single nucleotide variant.
Coding change: c.5513A>G on transcript NM_007186.6 (MANE Select); coding-DNA position 5513, A replaced by G.
Protein change: p.Glu1838Gly; replaces glutamic acid 1838 with glycine.
Molecular consequence: missense variant.
Genome position (GRCh38, 1-based): chr20:35,503,882, A>G. VCF-style: chr20-35503882-A-G. GRCh37 (hg19) VCF-style: chr20-34091710-A-G.
Other names: c.3617A>G, p.Glu1206Gly (NM_001318219.1); short protein forms E1206G, E1838G.
Identifiers: ClinVar variation 2006506 (VCV002006506.4), dbSNP rs2147165012, ClinGen allele CA408753409.